The following is an entry in ClinVar:

NM_001009944.3(PKD1):c.7446C>G (p.Gly2482=)

Gene: PKD1 (polycystin 1, transient receptor potential channel interacting; minus strand). Cytogenetic location: 16p13.3.
Variant type: single nucleotide variant.
Coding change: c.7446C>G on transcript NM_001009944.3 (MANE Select); coding-DNA position 7446, C replaced by G.
Protein change: p.Gly2482=; no amino-acid change (glycine 2482 retained).
Molecular consequence: synonymous variant.
Genome position (GRCh38, 1-based): chr16:2,106,441, G>C on the plus strand (C>G on the coding strand, the complement: PKD1 is on the minus strand). VCF-style: chr16-2106441-G-C. GRCh37 (hg19) VCF-style: chr16-2156442-G-C.
Other names: c.7446C>G, p.Gly2482= (NM_000296.4).
Identifiers: ClinVar variation 997212 (VCV000997212.1), dbSNP rs775215483, ClinGen allele CA493046607.

ClinVar aggregate classification (germline): Likely benign (0 of 4 stars; one submission).

Conditions:
Polycystic kidney disease. Also called: Polycystic kidney dysplasia; Kidney, Polycystic. Identifiers: MedGen C0022680, MeSH D007690, MONDO:0020642, HP:0000113.

Submission:

Department of Pathology and Laboratory Medicine, Sinai Health System
Classification: Likely benign for Polycystic Kidney disease. Review status: no assertion criteria provided. Collection method: clinical testing. Allele origin: unknown. Affected: yes. Study: The Canadian Open Genetics Repository (COGR).
Comment: The PKD1 p.Gly2482= variant was not identified in the literature nor was it identified in the dbSNP, ClinVar, LOVD 3.0, ADPKD Mutation Database, or PKD1-LOVD databases. The variant was not identified in the following control databases: the Exome Aggregation Consortium (August 8th 2016), or the Genome Aggregation Database (Feb 27, 2017). The p.Gly2482= variant is not expected to have clinical significance because it does not result in a change of amino acid and is not located in a known consensus splice site. The variant occurs outside of the splicing consensus sequence and 1 of 4 in silico or computational prediction software programs (SpliceSiteFinder, MaxEntScan, NNSPLICE, GeneSplicer) predict a greater than 10% difference in splicing; this is not very predictive of pathogenicity. In summary, based on the above information the clinical significance of this variant cannot be determined with certainty at this time although we would lean towards a more benign role for this variant. This variant is classified as likely benign.